The following is an entry in ClinVar:

ClinVar aggregate classification (germline): Uncertain significance (1 of 4 stars; one submission).

Conditions:
Pancreatic adenocarcinoma. Identifiers: MedGen C0281361, MONDO:0006047, HP:0006725.

Submission:

Labcorp Genetics (formerly Invitae), Labcorp
Classification: Uncertain significance for Pancreatic adenocarcinoma. Last evaluated: 2022-04-21. Review status: criteria provided, single submitter. Criteria: Invitae Variant Classification Sherloc (09022015). Collection method: clinical testing. Allele origin: germline.
Comment: In summary, the available evidence is currently insufficient to determine the role of this variant in disease. Therefore, it has been classified as a Variant of Uncertain Significance. Algorithms developed to predict the effect of missense changes on protein structure and function (SIFT, PolyPhen-2, Align-GVGD) all suggest that this variant is likely to be tolerated. This variant has not been reported in the literature in individuals affected with PALLD-related conditions. This variant is not present in population databases (gnomAD no frequency). This sequence change replaces glycine, which is neutral and non-polar, with aspartic acid, which is acidic and polar, at codon 164 of the PALLD protein (p.Gly164Asp).

NM_001166108.2(PALLD):c.1965-12540G>A

Gene: PALLD (palladin, cytoskeletal associated protein; plus strand). Cytogenetic location: 4q32.3.
Variant type: single nucleotide variant.
Coding change: c.1965-12540G>A on transcript NM_001166108.2 (MANE Select); 12540 bases into the intron before coding-DNA position 1965, G replaced by A.
Molecular consequence: intron variant. On other transcripts: missense variant (1).
Genome position (GRCh38, 1-based): chr4:168,878,382, G>A. VCF-style: chr4-168878382-G-A. GRCh37 (hg19) VCF-style: chr4-169799533-G-A.
Other names: c.491G>A, p.Gly164Asp (NM_001166110.2); c.1965-12540G>A (NM_016081.4); c.819-12540G>A (NM_001166109.2); c.-157-12540G>A (NM_001367570.1, NM_001367568.1, NM_001367567.1 and 1 more transcripts); short protein forms G164D.
Identifiers: ClinVar variation 1924558 (VCV001924558.5), dbSNP rs1474742744, ClinGen allele CA358796779.